The following is an entry in ClinVar:

ClinVar aggregate classification (germline): Likely benign (1 of 4 stars; one submission).

Submission:

Women's Health and Genetics/Laboratory Corporation of America, LabCorp
Classification: Likely benign. Last evaluated: 2020-01-07. Review status: criteria provided, single submitter. Criteria: LabCorp Variant Classification Summary - May 2015. Collection method: clinical testing. Allele origin: germline.
Comment: Variant summary: HBB c.351T>C alters a non-conserved nucleotide resulting in a synonymous change. 5/5 computational tools predict no significant impact on normal splicing. However, these predictions have yet to be confirmed by functional studies. The variant was absent in 251276 control chromosomes (gnomAD). The available data on variant occurrences in the general population are insufficient to allow any conclusion about variant significance. To our knowledge, no occurrence of c.351T>C in individuals affected with Hemoglobinopathy and no experimental evidence demonstrating its impact on protein function have been reported. No clinical diagnostic laboratories have submitted clinical-significance assessments for this variant to ClinVar after 2014. Based on the evidence outlined above, the variant was classified as likely benign.

NM_000518.5(HBB):c.351T>C (p.His117=)

Genes: HBB (hemoglobin subunit beta; minus strand), LOC107133510 (origin of replication at HBB; plus strand), LOC110006319 (beta-globin gene 3' regulatory region; plus strand). Cytogenetic location: 11p15.4.
Variant type: single nucleotide variant.
Coding change: c.351T>C on transcript NM_000518.5 (MANE Select); coding-DNA position 351, T replaced by C.
Protein change: p.His117=; no amino-acid change (histidine 117 retained).
Molecular consequence: synonymous variant.
Genome position (GRCh38, 1-based): chr11:5,225,691, A>G on the plus strand (T>C on the coding strand, the complement: HBB is on the minus strand). VCF-style: chr11-5225691-A-G. GRCh37 (hg19) VCF-style: chr11-5246921-A-G.
Identifiers: ClinVar variation 917608 (VCV000917608.1), dbSNP rs35209776, ClinGen allele CA472638487.
Genomic context (GRCh38, chr11:5,225,691, plus strand): 5'-ACCAGCCACCACTTTCTGATAGGCAGCCTGCACTGGTGGGGTGAATTCTTTGCCAAAGTG[A>G]TGGGCCAGCACACAGACCAGCACGTTGCCCAGGAGCTGTGGGAGGAAGATAAGAGGTATG-3'
Protein context (NP_000509.1, residues 107-127): LGNVLVCVLA[His117=]HFGKEFTPPV